The following is an entry in ClinVar:

ClinVar aggregate classification (germline): Benign/Likely benign. Review status: criteria provided, multiple submitters, no conflicts (2 of 4 stars). 8 submissions from 7 submitters: Benign (6); Likely benign (1). 1 of the submissions does not count toward it. Last evaluated 2026-02-01.

Conditions:
TUBB4A-related disorder. Also called: TUBB4A-related condition.
Leukodystrophy, hypomyelinating, 6. Also called: LEUKODYSTROPHY, HYPOMYELINATING, WITH ATROPHY OF THE BASAL GANGLIA AND CEREBELLUM; Hypomyelination with Atrophy of Basal Ganglia and Cerebellum (H-ABC); TUBB4A-Associated Leukodystrophy. Identifiers: Orphanet 139441, MedGen C2676244, MONDO:0012905, OMIM 612438.
Torsion dystonia 4. Also called: DYT-TUBB4A (Autosomal Dominant Torsion Dystonia); DYSTONIA MUSCULORUM DEFORMANS 4. Identifiers: Orphanet 98805, MedGen C1851943, MONDO:0007493, OMIM 128101.

Allele frequency attached by ClinVar (database versions not stated): 1000 Genomes Project 0.00739; gnomAD 0.01477 and 0.01521; TOPMed 0.01503; gnomAD exomes 0.01640 and 0.02108; ExAC 0.01689; ESP Exome Variant Server 0.01707; 1000 Genomes Project 30x 0.00671.
gnomAD v4.1: 33,046 of 1,613,948 alleles (2%); highest among the groups gnomAD compares: Middle Eastern, 3.8%; 429 homozygotes.

Submissions (8):

Labcorp Genetics (formerly Invitae), Labcorp
Classification: Benign for Leukodystrophy, hypomyelinating, 6. Last evaluated: 2026-02-01. Review status: criteria provided, single submitter. Criteria: Invitae Variant Classification Sherloc (09022015). Collection method: clinical testing. Allele origin: germline.

Blueprint Genetics
Classification: Likely benign. Last evaluated: 2024-11-27. Review status: criteria provided, single submitter. Criteria: ACMG Guidelines, 2015. Collection method: clinical testing. Allele origin: germline.

Mayo Clinic Laboratories, Mayo Clinic
Classification: Benign. Last evaluated: 2023-04-20. Review status: criteria provided, single submitter. Criteria: ACMG Guidelines, 2015. Collection method: clinical testing. Allele origin: germline. Observed: 20 variant alleles.
Comment: BS1, BS2, BP4, BP7

Illumina Laboratory Services, Illumina
Classification: Benign for Leukodystrophy, hypomyelinating, 6. Last evaluated: 2018-01-12. Review status: criteria provided, single submitter. Criteria: ICSL Variant Classification Criteria 13 December 2019. Collection method: clinical testing. Allele origin: germline.
Comment: This variant was observed in the ICSL laboratory as part of a predisposition screen in an ostensibly healthy population. It had not been previously curated by ICSL or reported in the Human Gene Mutation Database (HGMD: prior to June 1st, 2018), and was therefore a candidate for classification through an automated scoring system. Utilizing variant allele frequency, disease prevalence and penetrance estimates, and inheritance mode, an automated score was calculated to assess if this variant is too frequent to cause the disease. Based on the score and internal cut-off values, a variant classified as benign is not then subjected to further curation. The score for this variant resulted in a classification of benign for this disease.

Illumina Laboratory Services, Illumina
Classification: Benign for Torsion dystonia 4. Last evaluated: 2018-01-12. Review status: criteria provided, single submitter. Criteria: ICSL Variant Classification Criteria 13 December 2019. Collection method: clinical testing. Allele origin: germline.
Comment: the same text as in the submission from Illumina Laboratory Services, Illumina above.

GeneDx
Classification: Benign. Last evaluated: 2016-05-20. Review status: criteria provided, single submitter. Criteria: GeneDx Variant Classification (06012015). Collection method: clinical testing. Allele origin: germline. Affected: yes.
Comment: This variant is considered likely benign or benign based on one or more of the following criteria: it is a conservative change, it occurs at a poorly conserved position in the protein, it is predicted to be benign by multiple in silico algorithms, and/or has population frequency not consistent with disease.

Breakthrough Genomics
Classification: Benign. Review status: criteria provided, single submitter. Criteria: ACMG Guidelines, 2015. Collection method: not provided. Allele origin: germline. Inheritance: Autosomal dominant inheritance. Affected: yes.

PreventionGenetics, part of Exact Sciences
Classification: Benign for TUBB4A-related condition. Last evaluated: 2020-01-30. Review status: no assertion criteria provided. Collection method: clinical testing. Allele origin: germline. Not counted in ClinVar's aggregate classification.
Comment: This variant is classified as benign based on ACMG/AMP sequence variant interpretation guidelines (Richards et al. 2015 PMID: 25741868, with internal and published modifications).

NM_006087.4(TUBB4A):c.921C>T (p.His307=)

Gene: TUBB4A (tubulin beta 4A class IVa; minus strand). Cytogenetic location: 19p13.3.
Variant type: single nucleotide variant.
Coding change: c.921C>T on transcript NM_006087.4 (MANE Select); coding-DNA position 921, C replaced by T.
Protein change: p.His307=; no amino-acid change (histidine 307 retained).
Molecular consequence: synonymous variant.
Genome position (GRCh38, 1-based): chr19:6,495,578, G>A on the plus strand (C>T on the coding strand, the complement: TUBB4A is on the minus strand). VCF-style: chr19-6495578-G-A. GRCh37 (hg19) VCF-style: chr19-6495589-G-A.
Other names: p.His307=; c.1074C>T, p.His358= (NM_001289123.2); c.1056C>T, p.His352= (NM_001289127.2); c.921C>T, p.His307= (NM_001289129.2); c.705C>T, p.His235= (NM_001289130.2, NM_001289131.2).
Identifiers: ClinVar variation 240288 (VCV000240288.18), dbSNP rs118102196, ClinGen allele CA9127304.